The following is an entry in ClinVar:

ClinVar aggregate classification (germline): Pathogenic (1 of 4 stars; one submission).

Conditions:
Progressive myoclonic epilepsy. Also called: Myoclonic Epilepsies, Progressive; Familial progressive myoclonic epilepsy; Myoclonus epilepsy; Progressive myoclonus epilepsy. Identifiers: Orphanet 308, Orphanet 98261, MedGen C0751778, MONDO:0020074.

Submission:

Labcorp Genetics (formerly Invitae), Labcorp
Classification: Pathogenic for Progressive myoclonic epilepsy. Last evaluated: 2021-01-08. Review status: criteria provided, single submitter. Criteria: Invitae Variant Classification Sherloc (09022015). Collection method: clinical testing. Allele origin: germline.
Comment: This sequence change creates a premature translational stop signal (p.Tyr213Cysfs*11) in the SCARB2 gene. It is expected to result in an absent or disrupted protein product. Loss-of-function variants in SCARB2 are known to be pathogenic (PMID: 19847901). For these reasons, this variant has been classified as Pathogenic. This variant has not been reported in the literature in individuals with SCARB2-related conditions. This variant is not present in population databases (ExAC no frequency).

Literature cited by the submitters: PubMed 19847901.

NM_005506.4(SCARB2):c.638_639del (p.Tyr213fs)

Gene: SCARB2 (scavenger receptor class B member 2; minus strand). Cytogenetic location: 4q21.1.
Variant type: Deletion.
Coding change: c.638_639del on transcript NM_005506.4 (MANE Select); coding-DNA positions 638 to 639, 2 bases deleted (AT; older notation c.638_639delAT).
Protein change: p.Tyr213fs; shifts the reading frame from tyrosine 213.
Molecular consequence: frameshift variant. On other transcripts: intron variant (1).
Genome position (GRCh38, 1-based): chr4:76,176,502-76,176,503, AT deleted on the plus strand (AT on the coding strand, the reverse complement: SCARB2 is on the minus strand); deleting any 2 consecutive bases within chr4:76,176,502-76,176,504 gives the same sequence; the c. name uses the placement nearest the transcript's 3' end. VCF-style (leftmost placement, unchanged base first): chr4-76176501-CAT-C. GRCh37 (hg19) VCF-style: chr4-77097654-CAT-C.
Other names: c.276-593_276-592del (NM_001204255.2); short protein forms Y213fs.
Identifiers: ClinVar variation 1457513 (VCV001457513.6), dbSNP rs2109944333, ClinGen allele CA2573138360.